The following is an entry in ClinVar:

ClinVar aggregate classification (germline): Uncertain significance (1 of 4 stars; one submission).

Conditions:
Epilepsy, X-linked 1, with variable learning disabilities and behavior disorders. Also called: X-linked epilepsy-learning disabilities-behavior disorders syndrome. Identifiers: Orphanet 85294, MedGen C5774177, MONDO:0010339, OMIM 300491.

Submission:

Labcorp Genetics (formerly Invitae), Labcorp
Classification: Uncertain significance for Epilepsy, X-linked 1, with variable learning disabilities and behavior disorders. Last evaluated: 2025-03-13. Review status: criteria provided, single submitter. Criteria: Invitae Variant Classification Sherloc (09022015). Collection method: clinical testing. Allele origin: germline.
Comment: This sequence change replaces histidine, which is basic and polar, with tyrosine, which is neutral and polar, at codon 136 of the SYN1 protein (p.His136Tyr). This variant is not present in population databases (gnomAD no frequency). This variant has not been reported in the literature in individuals affected with SYN1-related conditions. An algorithm developed to predict the effect of missense changes on protein structure and function (PolyPhen-2) suggests that this variant is likely to be disruptive. In summary, the available evidence is currently insufficient to determine the role of this variant in disease. Therefore, it has been classified as a Variant of Uncertain Significance.

NM_006950.3(SYN1):c.406C>T (p.His136Tyr)

Gene: SYN1 (synapsin I; minus strand). Cytogenetic location: Xp11.23.
Variant type: single nucleotide variant.
Coding change: c.406C>T on transcript NM_006950.3 (MANE Select); coding-DNA position 406, C replaced by T.
Protein change: p.His136Tyr; replaces histidine 136 with tyrosine.
Molecular consequence: missense variant.
Genome position (GRCh38, 1-based): chrX:47,607,170, G>A on the plus strand (C>T on the coding strand, the complement: SYN1 is on the minus strand). VCF-style: chrX-47607170-G-A. GRCh37 (hg19) VCF-style: chrX-47466569-G-A.
Other names: c.406C>T, p.His136Tyr (NM_133499.2); short protein forms H136Y.
Identifiers: ClinVar variation 4715029 (VCV004715029.1).